The following is an entry in ClinVar:

NM_001365951.3(KIF1B):c.5227G>A (p.Gly1743Arg)

Gene: KIF1B (kinesin family member 1B; plus strand). Cytogenetic location: 1p36.22.
Variant type: single nucleotide variant.
Coding change: c.5227G>A on transcript NM_001365951.3 (MANE Select); coding-DNA position 5227, G replaced by A.
Protein change: p.Gly1743Arg; replaces glycine 1743 with arginine.
Molecular consequence: missense variant.
Genome position (GRCh38, 1-based): chr1:10,374,984, G>A. VCF-style: chr1-10374984-G-A. GRCh37 (hg19) VCF-style: chr1-10435042-G-A.
Other names: c.5227G>A, p.Gly1743Arg (NM_001365952.1); c.5089G>A, p.Gly1697Arg (NM_015074.3); short protein forms G1743R, G1697R.
Identifiers: ClinVar variation 3631387 (VCV003631387.2).

ClinVar aggregate classification (germline): Uncertain significance (1 of 4 stars; one submission).

Conditions:
Charcot-Marie-Tooth disease type 2. Also called: Charcot-Marie-Tooth type 2. Identifiers: Orphanet 64746, MedGen C0270914, MONDO:0018993.

Submission:

Labcorp Genetics (formerly Invitae), Labcorp
Classification: Uncertain significance for Charcot-Marie-Tooth disease type 2. Last evaluated: 2024-11-12. Review status: criteria provided, single submitter. Criteria: Invitae Variant Classification Sherloc (09022015). Collection method: clinical testing. Allele origin: germline.
Comment: This sequence change replaces glycine, which is neutral and non-polar, with arginine, which is basic and polar, at codon 1697 of the KIF1B protein (p.Gly1697Arg). This variant is present in population databases (rs773802554, gnomAD 0.006%). This variant has not been reported in the literature in individuals affected with KIF1B-related conditions. An algorithm developed to predict the effect of missense changes on protein structure and function (PolyPhen-2) suggests that this variant is likely to be disruptive. In summary, the available evidence is currently insufficient to determine the role of this variant in disease. Therefore, it has been classified as a Variant of Uncertain Significance.